The following is an entry in ClinVar:

ClinVar aggregate classification (germline): Conflicting classifications of pathogenicity. Review status: criteria provided, conflicting classifications (1 of 4 stars). 5 submissions from 5 submitters: Uncertain significance (1); Likely benign (3). 1 of the submissions does not count toward it. Last evaluated 2026-01-10.

Conditions:
Inborn genetic diseases. Identifiers: MedGen C0950123, MeSH D030342.
LRP6-related disorder. Also called: LRP6-related condition.

Allele frequency attached by ClinVar (database versions not stated): gnomAD exomes 0.00007 and 0.00017; ExAC 0.00026; 1000 Genomes Project 0.00060; ESP Exome Variant Server 0.00062; TOPMed 0.00068; gnomAD 0.00072 and 0.00077; 1000 Genomes Project 30x 0.00094.
gnomAD v4.1: 211 of 1,614,160 alleles (0.013%); highest among the groups gnomAD compares: African/African-American, 0.25%; 1 homozygote.

Submissions (5):

Labcorp Genetics (formerly Invitae), Labcorp
Classification: Likely benign. Last evaluated: 2026-01-10. Review status: criteria provided, single submitter. Criteria: Invitae Variant Classification Sherloc (09022015). Collection method: clinical testing. Allele origin: germline.

Blueprint Genetics
Classification: Likely benign. Last evaluated: 2024-05-29. Review status: criteria provided, single submitter. Criteria: ACMG Guidelines, 2015. Collection method: clinical testing. Allele origin: germline.

Ambry Genetics
Classification: Uncertain significance for Inborn genetic diseases. Last evaluated: 2024-05-14. Review status: criteria provided, single submitter. Criteria: Ambry Variant Classification Scheme 2023. Collection method: clinical testing. Allele origin: germline.

Breakthrough Genomics
Classification: Likely benign. Review status: criteria provided, single submitter. Criteria: ACMG Guidelines, 2015. Collection method: not provided. Allele origin: germline. Inheritance: Autosomal dominant inheritance. Affected: yes.

PreventionGenetics, part of Exact Sciences
Classification: Likely benign for LRP6-related condition. Last evaluated: 2019-06-10. Review status: no assertion criteria provided. Collection method: clinical testing. Allele origin: germline. Not counted in ClinVar's aggregate classification.
Comment: This variant is classified as likely benign based on ACMG/AMP sequence variant interpretation guidelines (Richards et al. 2015 PMID: 25741868, with internal and published modifications).

NM_002336.3(LRP6):c.1870A>G (p.Met624Val)

Gene: LRP6 (LDL receptor related protein 6; minus strand). Cytogenetic location: 12p13.2.
Variant type: single nucleotide variant.
Coding change: c.1870A>G on transcript NM_002336.3 (MANE Select); coding-DNA position 1870, A replaced by G.
Protein change: p.Met624Val; replaces methionine 624 with valine.
Molecular consequence: missense variant.
Genome position (GRCh38, 1-based): chr12:12,164,455, T>C on the plus strand (A>G on the coding strand, the complement: LRP6 is on the minus strand). VCF-style: chr12-12164455-T-C. GRCh37 (hg19) VCF-style: chr12-12317389-T-C.
Other names: c.1870A>G (NM_002336.2); short protein forms M624V.
Identifiers: ClinVar variation 1661336 (VCV001661336.13), dbSNP rs146407496, ClinGen allele CA6455569.